The following is an entry in ClinVar:

NM_001252102.2(KIF21B):c.1609G>C (p.Ala537Pro)

Gene: KIF21B (kinesin family member 21B; minus strand). Cytogenetic location: 1q32.1.
Variant type: single nucleotide variant.
Coding change: c.1609G>C on transcript NM_001252102.2 (MANE Select); coding-DNA position 1609, G replaced by C.
Protein change: p.Ala537Pro; replaces alanine 537 with proline.
Molecular consequence: missense variant.
Genome position (GRCh38, 1-based): chr1:201,000,466, C>G on the plus strand (G>C on the coding strand, the complement: KIF21B is on the minus strand). VCF-style: chr1-201000466-C-G. GRCh37 (hg19) VCF-style: chr1-200969594-C-G.
Other names: c.1609G>C, p.Ala537Pro (NM_001252100.2, NM_001252103.2, NM_017596.4); short protein forms A537P.
Identifiers: ClinVar variation 3361587 (VCV003361587.1).
Genomic context (GRCh38, chr1:201,000,466, plus strand): 5'-TGACCTCCTTCTTCTTTAGCCGCTCCAGGTCCTGCTTGGCCCTGCGGATCACCTCCGAGG[C>G]ATCCTCCATGGAGCTGGCAGGGCTGCCCCCGAAGGCCGGGGCGGCTGGAGAAGCACCCAG-3'
Protein context (NP_001239031.1, residues 527-547): GGSPASSMED[Ala537Pro]SEVIRRAKQD

ClinVar aggregate classification (germline): Uncertain significance (1 of 4 stars; one submission).

Submission:

GeneDx
Classification: Uncertain significance. Last evaluated: 2023-07-27. Review status: criteria provided, single submitter. Criteria: GeneDx Variant Classification Process June 2021. Collection method: clinical testing. Allele origin: germline. Affected: yes.
Comment: Not observed at significant frequency in large population cohorts (gnomAD); In silico analysis supports that this missense variant does not alter protein structure/function; Has not been previously published as pathogenic or benign to our knowledge